The following is an entry in ClinVar:

ClinVar aggregate classification (germline): Uncertain significance (1 of 4 stars; one submission).

Submission:

CeGaT Center for Human Genetics Tuebingen
Classification: Uncertain significance. Last evaluated: 2026-04-01. Review status: criteria provided, single submitter. Criteria: CeGaT Center For Human Genetics Tuebingen Variant Classification Criteria Version 2. Collection method: clinical testing. Allele origin: germline. Affected: yes. Observed: 1 variant allele.
Comment: KMT2C: PM2

NM_170606.3(KMT2C):c.12857C>T (p.Thr4286Ile)

Gene: KMT2C (lysine methyltransferase 2C; minus strand). Cytogenetic location: 7q36.1.
Variant type: single nucleotide variant.
Coding change: c.12857C>T on transcript NM_170606.3 (MANE Select); coding-DNA position 12857, C replaced by T.
Protein change: p.Thr4286Ile; replaces threonine 4286 with isoleucine.
Molecular consequence: missense variant.
Genome position (GRCh38, 1-based): chr7:152,149,070, G>A on the plus strand (C>T on the coding strand, the complement: KMT2C is on the minus strand). VCF-style: chr7-152149070-G-A. GRCh37 (hg19) VCF-style: chr7-151846155-G-A.
Other names: short protein forms T4286I.
Identifiers: ClinVar variation 4874627 (VCV004874627.2).
Genomic context (GRCh38, chr7:152,149,070, plus strand): 5'-GGTGGTGAGGCAGGGGGAGAAGCTTTCTCTGGGAGCTGGGGGAGACAGTGCACATCCAAA[G>A]TGGAGATGTTGTTGCTGTACTGATGAAATGCTTTGGAAGGCGTTTCTCTCATAGGTGATT-3'
Protein context (NP_733751.2, residues 4276-4296): AFHQYSNNIS[Thr4286Ile]LDVHCLPQLP